The following is an entry in ClinVar:

NM_000143.4(FH):c.1007T>A (p.Met336Lys)

Gene: FH (fumarate hydratase; minus strand). Cytogenetic location: 1q43.
Variant type: single nucleotide variant.
Coding change: c.1007T>A on transcript NM_000143.4 (MANE Select); coding-DNA position 1007, T replaced by A.
Protein change: p.Met336Lys; replaces methionine 336 with lysine.
Molecular consequence: missense variant.
Genome position (GRCh38, 1-based): chr1:241,504,143, A>T on the plus strand (T>A on the coding strand, the complement: FH is on the minus strand). VCF-style: chr1-241504143-A-T. GRCh37 (hg19) VCF-style: chr1-241667443-A-T.
Other names: short protein forms M336K.
Identifiers: ClinVar variation 3647930 (VCV003647930.2).
Genomic context (GRCh38, chr1:241,504,143, plus strand): 5'-AATTCTCCCAGACCTGACCGAGGACCAGAACCCAAAAATCGAATATCATTTGCTATCTTC[A>T]TCAGACTGCAGGCAGTAGTGTTCATGGCTCCACTGAGCTCAACCAGAGCGTCATGAGCAG-3'
Protein context (NP_000134.2, residues 326-346): GAMNTTACSL[Met336Lys]KIANDIRFLG

ClinVar aggregate classification (germline): Uncertain significance (1 of 4 stars; one submission).

Submission:

Labcorp Genetics (formerly Invitae), Labcorp
Classification: Uncertain significance. Last evaluated: 2024-03-28. Review status: criteria provided, single submitter. Criteria: Invitae Variant Classification Sherloc (09022015). Collection method: clinical testing. Allele origin: germline.
Comment: This sequence change replaces methionine, which is neutral and non-polar, with lysine, which is basic and polar, at codon 336 of the FH protein (p.Met336Lys). This variant is not present in population databases (gnomAD no frequency). This variant has not been reported in the literature in individuals affected with FH-related conditions. Advanced modeling of protein sequence and biophysical properties (such as structural, functional, and spatial information, amino acid conservation, physicochemical variation, residue mobility, and thermodynamic stability) performed at Invitae indicates that this missense variant is expected to disrupt FH protein function with a positive predictive value of 95%. In summary, the available evidence is currently insufficient to determine the role of this variant in disease. Therefore, it has been classified as a Variant of Uncertain Significance.